The following is an entry in ClinVar:

NM_001199138.2(NLRC4):c.1099T>C (p.Tyr367His)

Gene: NLRC4 (NLR family CARD domain containing 4; minus strand). Cytogenetic location: 2p22.3.
Variant type: single nucleotide variant.
Coding change: c.1099T>C on transcript NM_001199138.2 (MANE Select); coding-DNA position 1099, T replaced by C.
Protein change: p.Tyr367His; replaces tyrosine 367 with histidine.
Molecular consequence: missense variant. On other transcripts: intron variant (1).
Genome position (GRCh38, 1-based): chr2:32,250,765, A>G on the plus strand (T>C on the coding strand, the complement: NLRC4 is on the minus strand). VCF-style: chr2-32250765-A-G. GRCh37 (hg19) VCF-style: chr2-32475834-A-G.
Other names: c.1099T>C, p.Tyr367His (NM_001199139.2, NM_021209.5); c.262+1654T>C (NM_001302504.1); short protein forms Y367H.
Identifiers: ClinVar variation 1495110 (VCV001495110.6), dbSNP rs1687055386, ClinGen allele CA346513494.

ClinVar aggregate classification (germline): Uncertain significance (1 of 4 stars; one submission).

Conditions:
Periodic fever-infantile enterocolitis-autoinflammatory syndrome. Also called: Autoinflammation with infantile enterocolitis. Identifiers: Orphanet 436166, MedGen C4015067, MONDO:0014472, OMIM 616050.
Familial cold autoinflammatory syndrome 4 (FCAS4). Identifiers: Orphanet 47045, Orphanet 576349, MedGen C4015276, MONDO:0014498, OMIM 616115.

Allele frequency attached by ClinVar (database versions not stated): TOPMed below 0.00001; gnomAD exomes below 0.00001.
gnomAD v4.1: 1 of 1,614,196 alleles (0.000062%); highest among the groups gnomAD compares: South Asian, 0.0011%; no homozygotes.

Submission:

Labcorp Genetics (formerly Invitae), Labcorp
Classification: Uncertain significance for Periodic fever-infantile enterocolitis-autoinflammatory syndrome; Familial cold autoinflammatory syndrome 4. Last evaluated: 2025-01-20. Review status: criteria provided, single submitter. Criteria: Invitae Variant Classification Sherloc (09022015). Collection method: clinical testing. Allele origin: germline.
Comment: This sequence change replaces tyrosine, which is neutral and polar, with histidine, which is basic and polar, at codon 367 of the NLRC4 protein (p.Tyr367His). This variant is not present in population databases (gnomAD no frequency). This variant has not been reported in the literature in individuals affected with NLRC4-related conditions. ClinVar contains an entry for this variant (Variation ID: 1495110). Invitae Evidence Modeling of protein sequence and biophysical properties (such as structural, functional, and spatial information, amino acid conservation, physicochemical variation, residue mobility, and thermodynamic stability) indicates that this missense variant is not expected to disrupt NLRC4 protein function with a negative predictive value of 80%. In summary, the available evidence is currently insufficient to determine the role of this variant in disease. Therefore, it has been classified as a Variant of Uncertain Significance.